The following is an entry in ClinVar:

ClinVar aggregate classification (germline): Pathogenic. Review status: criteria provided, multiple submitters, no conflicts (2 of 4 stars). 2 submissions from 2 submitters: Pathogenic (2). Last evaluated 2024-11-18.

Conditions:
Charcot-Marie-Tooth disease type 4. Also called: Charcot-Marie-Tooth disease, type IV; Charcot-Marie-Tooth, Type 4. Identifiers: Orphanet 64749, MedGen C4082197, MONDO:0018995.

Submissions (2):

Labcorp Genetics (formerly Invitae), Labcorp
Classification: Pathogenic for Charcot-Marie-Tooth disease type 4. Last evaluated: 2024-11-18. Review status: criteria provided, single submitter. Criteria: Invitae Variant Classification Sherloc (09022015). Collection method: clinical testing. Allele origin: germline.
Comment: This sequence change creates a premature translational stop signal (p.Thr466Serfs*8) in the FGD4 gene. It is expected to result in an absent or disrupted protein product. Loss-of-function variants in FGD4 are known to be pathogenic (PMID: 17564972). This variant is not present in population databases (gnomAD no frequency). This variant has not been reported in the literature in individuals affected with FGD4-related conditions. ClinVar contains an entry for this variant (Variation ID: 265144). For these reasons, this variant has been classified as Pathogenic.

GeneDx
Classification: Pathogenic. Last evaluated: 2018-09-14. Review status: criteria provided, single submitter. Criteria: GeneDx Variant Classification (06012015). Collection method: clinical testing. Allele origin: germline. Affected: yes.
Comment: The c.1397_1398delCA variant in the FGD4 gene causes a frameshift starting with codon Threonine 466, changes this amino acid to a Serine residue and creates a premature Stop codon at position 8 of the new reading frame, denoted p.Thr466SerfsX8. This variant is predicted to cause loss of normal protein function either through protein truncation or nonsense-mediated mRNA decay. Although this variant has not been previously reported to our knowledge, it is interpreted to be a pathogenic variant.

Literature cited by the submitters: PubMed 17564972 (cited by Labcorp Genetics (formerly Invitae), Labcorp).

NM_001370298.3(FGD4):c.1808_1809del (p.Thr603fs)

Gene: FGD4 (FYVE, RhoGEF and PH domain containing 4; plus strand). Cytogenetic location: 12p11.21.
Variant type: Microsatellite.
Coding change: c.1808_1809del on transcript NM_001370298.3 (MANE Select); coding-DNA positions 1808 to 1809, 2 bases deleted (CA; older notation c.1808_1809delCA).
Protein change: p.Thr603fs; shifts the reading frame from threonine 603.
Molecular consequence: frameshift variant.
Genome position (GRCh38, 1-based): chr12:32,619,756-32,619,757, CA deleted; deleting any 2 consecutive bases within chr12:32,619,754-32,619,757 gives the same sequence; the c. name uses the placement nearest the transcript's 3' end. VCF-style (leftmost placement, unchanged base first): chr12-32619753-TCA-T. GRCh37 (hg19) VCF-style: chr12-32772687-TCA-T.
Other names: c.1650_1651CA[1], p.Thr551Serfs (NM_001304481.2); c.653_654del, p.Thr218fs (NM_001304483.2); c.365_366del, p.Thr122fs (NM_001304484.2); c.1118_1119del, p.Thr373fs (NM_001330373.2, NM_001330374.2, NM_001384130.1); c.845_846del, p.Thr282fs (NM_001370297.1); c.1808_1809del, p.Thr603fs (NM_001384126.1); c.1397_1398del, p.Thr466fs (NM_001384127.1, NM_001384128.1, NM_001385118.1 and 1 more transcripts); short protein forms T218fs, T466fs, T122fs, T551fs, T282fs, T373fs, T603fs.
Identifiers: ClinVar variation 265144 (VCV000265144.4), dbSNP rs886039361, ClinGen allele CA10588546.